The following is an entry in ClinVar:

NM_000092.5(COL4A4):c.4271_4272del (p.Gly1424fs)

Gene: COL4A4 (collagen type IV alpha 4 chain; minus strand). Cytogenetic location: 2q36.3.
Variant type: Deletion.
Coding change: c.4271_4272del on transcript NM_000092.5 (MANE Select); coding-DNA positions 4271 to 4272, 2 bases deleted (GG; older notation c.4271_4272delGG).
Protein change: p.Gly1424fs; shifts the reading frame from glycine 1424.
Molecular consequence: frameshift variant.
Genome position (GRCh38, 1-based): chr2:227,012,242-227,012,243, CC deleted on the plus strand (GG on the coding strand, the reverse complement: COL4A4 is on the minus strand); deleting any 2 consecutive bases within chr2:227,012,242-227,012,244 gives the same sequence; the c. name uses the placement nearest the transcript's 3' end. VCF-style (leftmost placement, unchanged base first): chr2-227012241-ACC-A. GRCh37 (hg19) VCF-style: chr2-227876957-ACC-A.
Other names: short protein forms G1424fs.
Identifiers: ClinVar variation 1726954 (VCV001726954.2), dbSNP rs2472735627, ClinGen allele CA2580065960.
Genomic context (GRCh38, chr2:227,012,241, plus strand): 5'-CTGGTCCTCCAGGGTAGCCGTCTTCTCCTGTGTCACCTTTACGTCCGGGAGGCCCAGGAG[ACC>A]CAGGGACGCCATCCACACCCCTCCTGCCATCCAGCCCAGGCTCTCCTTTGCACCCTGCAC-3'

ClinVar aggregate classification (germline): Likely pathogenic (1 of 4 stars; one submission).

Conditions:
Autosomal recessive Alport syndrome (ATS2). Also called: Alport syndrome type 2; COL4A4 Alport Syndrome and Thin Basement Membrane Nephropathy; ALPORT SYNDROME 2, AUTOSOMAL RECESSIVE; COL4A3-Related Nephropathy. Identifiers: Orphanet 63, Orphanet 88919, MedGen C4746745, MONDO:0008762, OMIM 203780.

Submission:

Myriad Genetics, Inc.
Classification: Likely pathogenic for Autosomal recessive Alport syndrome. Last evaluated: 2022-01-02. Review status: criteria provided, single submitter. Criteria: Myriad Women's Health Autosomal Recessive and X-Linked Classification Criteria (2021). Collection method: clinical testing. Allele origin: unknown.
Comment: NM_000092.4(COL4A4):c.4271_4272delGG(G1424Vfs*8) is expected to be pathogenic in the context of COL4A4-related Alport syndrome. This variant is predicted to lead to an abnormal or absent protein product due to the creation of a premature termination codon in COL4A4, a gene where loss-of-function variants are known to be pathogenic. Please note: this variant was assessed in the context of healthy population screening.